The following is an entry in ClinVar:

NC_000002.12:g.(?_111944960)_(112022542_?)del

Gene: MERTK (MER proto-oncogene, tyrosine kinase; plus strand). Cytogenetic location: 2q13.
Variant type: Deletion.
Identifiers: ClinVar variation 831243 (VCV000831243.3).

ClinVar aggregate classification (germline): Pathogenic (1 of 4 stars; one submission).

Submission:

Labcorp Genetics (formerly Invitae), Labcorp
Classification: Pathogenic. Last evaluated: 2022-08-15. Review status: criteria provided, single submitter. Criteria: Invitae Variant Classification Sherloc (09022015). Collection method: clinical testing. Allele origin: germline.
Comment: For these reasons, this variant has been classified as Pathogenic. This variant disrupts a region of the MERTK protein in which other variant(s) (p.Arg727Gln) have been determined to be pathogenic (PMID: 24625443, 28041643, 29659094; Invitae). This suggests that this is a clinically significant region of the protein, and that variants that disrupt it are likely to be disease-causing. This variant has not been reported in the literature in individuals affected with MERTK-related conditions. This variant is a gross deletion of the genomic region encompassing exon(s) 3-18 of the MERTK gene. This variant would be expected to be in-frame, preserving the integrity of the reading frame.

Literature cited by the submitters: PubMed 24625443; PubMed 28041643; PubMed 29659094.